The following is an entry in ClinVar:

NM_201384.3(PLEC):c.7661A>C (p.Glu2554Ala)

Gene: PLEC (plectin; minus strand). Cytogenetic location: 8q24.3.
Variant type: single nucleotide variant.
Coding change: c.7661A>C on transcript NM_201384.3 (MANE Select); coding-DNA position 7661, A replaced by C.
Protein change: p.Glu2554Ala; replaces glutamic acid 2554 with alanine.
Molecular consequence: missense variant.
Genome position (GRCh38, 1-based): chr8:143,922,160, T>G on the plus strand (A>C on the coding strand, the complement: PLEC is on the minus strand). VCF-style: chr8-143922160-T-G. GRCh37 (hg19) VCF-style: chr8-144996328-T-G.
Other names: c.7742A>C, p.Glu2581Ala (NM_000445.5); c.7619A>C, p.Glu2540Ala (NM_201378.4); c.7595A>C, p.Glu2532Ala (NM_201379.3); c.8072A>C, p.Glu2691Ala (NM_201380.4); c.7565A>C, p.Glu2522Ala (NM_201381.3); c.7661A>C, p.Glu2554Ala (NM_201382.4); c.7673A>C, p.Glu2558Ala (NM_201383.3); short protein forms E2540A, E2691A, E2558A, E2581A, E2532A, E2522A, E2554A.
Identifiers: ClinVar variation 1448165 (VCV001448165.8), dbSNP rs1488549704, ClinGen allele CA372523305.

ClinVar aggregate classification (germline): Uncertain significance (1 of 4 stars; one submission).

Conditions:
Epidermolysis bullosa simplex 5B, with muscular dystrophy (EBS5B). Also called: Epidermolysis bullosa simplex with muscular dystrophy; EPIDERMOLYSIS BULLOSA SIMPLEX AND LIMB-GIRDLE MUSCULAR DYSTROPHY. Identifiers: Orphanet 257, MedGen C2931072, MONDO:0009181, OMIM 226670.
Epidermolysis bullosa simplex, Ogna type (EBS5A). Also called: Pidermolysis bullosa simplex 5A, Ogna type; EPIDERMOLYSIS BULLOSA SIMPLEX 5A, OGNA TYPE. Identifiers: Orphanet 79401, MedGen C0432317, MONDO:0007555, OMIM 131950.
Epidermolysis bullosa simplex with nail dystrophy (EBS5D). Identifiers: MedGen C4225309, MONDO:0014661, OMIM 616487.
Epidermolysis bullosa simplex 5C, with pyloric atresia (EBS5C). Also called: Epidermolysis bullosa simplex with pyloric atresia; PLEC-Related Epidermolysis Bullosa with Pyloric Atresia; PLEC1-Related Epidermolysis Bullosa with Pyloric Atresia. Identifiers: Orphanet 158684, MedGen C2677349, MONDO:0012807, OMIM 612138.
Autosomal recessive limb-girdle muscular dystrophy type 2Q (LGMDR17). Also called: MUSCULAR DYSTROPHY, LIMB-GIRDLE, AUTOSOMAL RECESSIVE 17. Identifiers: Orphanet 254361, MedGen C3150989, MONDO:0013390, OMIM 613723.

Allele frequency attached by ClinVar (database versions not stated): TOPMed 0.00001.

Submission:

Labcorp Genetics (formerly Invitae), Labcorp
Classification: Uncertain significance for Autosomal recessive limb-girdle muscular dystrophy type 2Q; Epidermolysis bullosa simplex, Ogna type; Epidermolysis bullosa simplex with nail dystrophy; Epidermolysis bullosa simplex 5C, with pyloric atresia; Epidermolysis bullosa simplex 5B, with muscular dystrophy. Last evaluated: 2023-04-24. Review status: criteria provided, single submitter. Criteria: Invitae Variant Classification Sherloc (09022015). Collection method: clinical testing. Allele origin: germline.
Comment: In summary, the available evidence is currently insufficient to determine the role of this variant in disease. Therefore, it has been classified as a Variant of Uncertain Significance. Advanced modeling of protein sequence and biophysical properties (such as structural, functional, and spatial information, amino acid conservation, physicochemical variation, residue mobility, and thermodynamic stability) performed at Invitae indicates that this missense variant is not expected to disrupt PLEC protein function. ClinVar contains an entry for this variant (Variation ID: 1448165). This variant has not been reported in the literature in individuals affected with PLEC-related conditions. This variant is not present in population databases (gnomAD no frequency). This sequence change replaces glutamic acid, which is acidic and polar, with alanine, which is neutral and non-polar, at codon 2581 of the PLEC protein (p.Glu2581Ala).